The following is an entry in ClinVar:

NM_001142800.2(EYS):c.1867C>A (p.Leu623Ile)

Gene: EYS (eyes shut homolog; minus strand). Cytogenetic location: 6q12.
Variant type: single nucleotide variant.
Coding change: c.1867C>A on transcript NM_001142800.2 (MANE Select); coding-DNA position 1867, C replaced by A.
Protein change: p.Leu623Ile; replaces leucine 623 with isoleucine.
Molecular consequence: missense variant.
Genome position (GRCh38, 1-based): chr6:65,296,019, G>T on the plus strand (C>A on the coding strand, the complement: EYS is on the minus strand). VCF-style: chr6-65296019-G-T. GRCh37 (hg19) VCF-style: chr6-66005912-G-T.
Other names: c.1867C>A, p.Leu623Ile (NM_001292009.2); short protein forms L623I.
Identifiers: ClinVar variation 1443746 (VCV001443746.4), dbSNP rs1359987940, ClinGen allele CA364659647.

ClinVar aggregate classification (germline): Uncertain significance (1 of 4 stars; one submission).

Allele frequency attached by ClinVar (database versions not stated): gnomAD 0.00001; gnomAD exomes 0.00001; TOPMed 0.00001.
gnomAD v4.1: 9 of 1,551,058 alleles (0.00058%); highest among the groups gnomAD compares: Non-Finnish European, 0.00078%; no homozygotes.

Submission:

Labcorp Genetics (formerly Invitae), Labcorp
Classification: Uncertain significance. Last evaluated: 2022-08-07. Review status: criteria provided, single submitter. Criteria: Invitae Variant Classification Sherloc (09022015). Collection method: clinical testing. Allele origin: germline.
Comment: This sequence change replaces leucine, which is neutral and non-polar, with isoleucine, which is neutral and non-polar, at codon 623 of the EYS protein (p.Leu623Ile). This variant is not present in population databases (gnomAD no frequency). This variant has not been reported in the literature in individuals affected with EYS-related conditions. ClinVar contains an entry for this variant (Variation ID: 1443746). Algorithms developed to predict the effect of missense changes on protein structure and function (SIFT, PolyPhen-2, Align-GVGD) all suggest that this variant is likely to be tolerated. In summary, the available evidence is currently insufficient to determine the role of this variant in disease. Therefore, it has been classified as a Variant of Uncertain Significance.